The following is an entry in ClinVar:

NM_001271803.2(REEP2):c.-1C>T

Genes: REEP2 (receptor accessory protein 2; plus strand), LOC129994740 (ATAC-STARR-seq lymphoblastoid silent region 16395; plus strand). Cytogenetic location: 5q31.2.
Variant type: single nucleotide variant.
Coding change: c.-1C>T on transcript NM_001271803.2 (MANE Select); 1 bases upstream of the start codon, C replaced by T.
Molecular consequence: 5 prime UTR variant. On other transcripts: non-coding transcript variant (2).
Genome position (GRCh38, 1-based): chr5:138,439,208, C>T. VCF-style: chr5-138439208-C-T. GRCh37 (hg19) VCF-style: chr5-137774897-C-T.
Other names: c.-1C>T (NM_016606.4).
Identifiers: ClinVar variation 3042843 (VCV003042843.2), dbSNP rs752787364, ClinGen allele CA3429650.

ClinVar aggregate classification (germline): Likely benign (0 of 4 stars; one submission).

Conditions:
REEP2-related disorder. Also called: REEP2-related condition.

Allele frequency attached by ClinVar (database versions not stated): ExAC 0.00011.
gnomAD v4.1: 61 of 1,382,580 alleles (0.0044%); highest among the groups gnomAD compares: Admixed American, 0.0086%; no homozygotes.

Submission:

PreventionGenetics, part of Exact Sciences
Classification: Likely benign for REEP2-related condition. Last evaluated: 2019-06-27. Review status: no assertion criteria provided. Collection method: clinical testing. Allele origin: germline.
Comment: This variant is classified as likely benign based on ACMG/AMP sequence variant interpretation guidelines (Richards et al. 2015 PMID: 25741868, with internal and published modifications).